The following is an entry in ClinVar:

NM_001130823.3(DNMT1):c.4850G>A (p.Arg1617Gln)

Gene: DNMT1 (DNA methyltransferase 1; minus strand). Cytogenetic location: 19p13.2.
Variant type: single nucleotide variant.
Coding change: c.4850G>A on transcript NM_001130823.3 (MANE Select); coding-DNA position 4850, G replaced by A.
Protein change: p.Arg1617Gln; replaces arginine 1617 with glutamine.
Molecular consequence: missense variant.
Genome position (GRCh38, 1-based): chr19:10,134,231, C>T on the plus strand (G>A on the coding strand, the complement: DNMT1 is on the minus strand). VCF-style: chr19-10134231-C-T. GRCh37 (hg19) VCF-style: chr19-10244907-C-T.
Other names: c.4811G>A, p.Arg1604Gln (NM_001318730.2); c.4487G>A, p.Arg1496Gln (NM_001318731.2); c.4802G>A, p.Arg1601Gln (NM_001379.4); short protein forms R1496Q, R1604Q, R1617Q, R1601Q.
Identifiers: ClinVar variation 1403229 (VCV001403229.7), dbSNP rs767705266, ClinGen allele CA9187382.

ClinVar aggregate classification (germline): Likely benign. Review status: criteria provided, multiple submitters, no conflicts (2 of 4 stars). 2 submissions from 2 submitters: Likely benign (2). Last evaluated 2026-02-03.

Conditions:
Hereditary sensory neuropathy-deafness-dementia syndrome. Also called: NEUROPATHY, HEREDITARY SENSORY, WITH HEARING LOSS AND DEMENTIA; Hereditary Sensory and Autonomic Neuropathy Type 1E (HSAN1E); HSN IE; Hereditary sensory neuropathy type IE. Identifiers: Orphanet 456318, MedGen C3279885, MONDO:0013584, OMIM 614116.

Allele frequency attached by ClinVar (database versions not stated): gnomAD 0.00003; ExAC 0.00004; gnomAD exomes 0.00012.
gnomAD v4.1: 50 of 1,614,098 alleles (0.0031%); highest among the groups gnomAD compares: Admixed American, 0.045%; no homozygotes.

Submissions (2):

Women's Health and Genetics/Laboratory Corporation of America, LabCorp
Classification: Likely benign. Last evaluated: 2026-02-03. Review status: criteria provided, single submitter. Criteria: LabCorp Variant Classification Summary - May 2015. Collection method: clinical testing. Allele origin: germline.
Comment: Variant summary: DNMT1 c.4850G>A (p.Arg1617Gln) results in a conservative amino acid change in the encoded protein sequence. Algorithms developed to predict the effect of missense changes on protein structure and function all suggest that this variant is likely to be tolerated. The variant allele was found at a frequency of 0.00012 in 251246 control chromosomes. The observed variant frequency exceeds the estimated maximal expected allele frequency for disease-causing variants in DNMT1. To our knowledge, no occurrence of c.4850G>A in individuals affected with DNMT1-related conditions and no experimental evidence demonstrating its impact on protein function have been reported. ClinVar contains an entry for this variant (Variation ID: 1403229). Based on the evidence outlined above, the variant was classified as likely benign.

Labcorp Genetics (formerly Invitae), Labcorp
Classification: Likely benign for Hereditary sensory neuropathy-deafness-dementia syndrome. Last evaluated: 2025-12-12. Review status: criteria provided, single submitter. Criteria: Invitae Variant Classification Sherloc (09022015). Collection method: clinical testing. Allele origin: germline.